The following is an entry in ClinVar:

ClinVar aggregate classification (germline): Uncertain significance (1 of 4 stars; one submission).

Conditions:
Cardiovascular phenotype. Identifiers: MedGen CN230736.

Allele frequency attached by ClinVar (database versions not stated): gnomAD exomes below 0.00001.
gnomAD v4.1: 3 of 1,203,750 alleles (0.00025%); highest among the groups gnomAD compares: Non-Finnish European, 0.00034%; no homozygotes.

Submission:

Ambry Genetics
Classification: Uncertain significance for Cardiovascular phenotype. Last evaluated: 2019-03-05. Review status: criteria provided, single submitter. Criteria: Ambry Variant Classification Scheme 2023. Collection method: clinical testing. Allele origin: germline.
Comment: The p.L1512V variant (also known as c.4534C>G), located in coding exon 33 of the DMD gene, results from a C to G substitution at nucleotide position 4534. The leucine at codon 1512 is replaced by valine, an amino acid with highly similar properties. This amino acid position is highly conserved in available vertebrate species. In addition, the in silico prediction for this alteration is inconclusive. Since supporting evidence is limited at this time, the clinical significance of this alteration remains unclear.

NM_004006.3(DMD):c.4534C>G (p.Leu1512Val)

Gene: DMD (dystrophin; minus strand). Cytogenetic location: Xp21.1.
Variant type: single nucleotide variant.
Coding change: c.4534C>G on transcript NM_004006.3 (MANE Select); coding-DNA position 4534, C replaced by G.
Protein change: p.Leu1512Val; replaces leucine 1512 with valine.
Molecular consequence: missense variant.
Genome position (GRCh38, 1-based): chrX:32,386,450, G>C on the plus strand (C>G on the coding strand, the complement: DMD is on the minus strand). VCF-style: chrX-32386450-G-C. GRCh37 (hg19) VCF-style: chrX-32404567-G-C.
Other names: c.4510C>G, p.Leu1504Val (NM_000109.4); c.4522C>G, p.Leu1508Val (NM_004009.3); c.4165C>G, p.Leu1389Val (NM_004010.3); c.511C>G, p.Leu171Val (NM_004011.4); c.502C>G, p.Leu168Val (NM_004012.4); short protein forms L1389V, L1512V, L1508V, L168V, L171V, L1504V.
Identifiers: ClinVar variation 1741297 (VCV001741297.2), dbSNP rs2523045176, ClinGen allele CA412662779.